The following is an entry in ClinVar:

ClinVar aggregate classification (germline): Uncertain significance (1 of 4 stars; one submission).

gnomAD v4.1: 3 of 1,613,908 alleles (0.00019%); highest among the groups gnomAD compares: Non-Finnish European, 0.00025%; no homozygotes.

Submission:

Labcorp Genetics (formerly Invitae), Labcorp
Classification: Uncertain significance. Last evaluated: 2025-07-02. Review status: criteria provided, single submitter. Criteria: Invitae Variant Classification Sherloc (09022015). Collection method: clinical testing. Allele origin: germline.
Comment: This sequence change replaces serine, which is neutral and polar, with alanine, which is neutral and non-polar, at codon 179 of the NEDD4L protein (p.Ser179Ala). This variant is not present in population databases (gnomAD no frequency). This variant has not been reported in the literature in individuals affected with NEDD4L-related conditions. Invitae Evidence Modeling of protein sequence and biophysical properties (such as structural, functional, and spatial information, amino acid conservation, physicochemical variation, residue mobility, and thermodynamic stability) indicates that this missense variant is not expected to disrupt NEDD4L protein function with a negative predictive value of 80%. In summary, the available evidence is currently insufficient to determine the role of this variant in disease. Therefore, it has been classified as a Variant of Uncertain Significance.

NM_001144967.3(NEDD4L):c.535T>G (p.Ser179Ala)

Gene: NEDD4L (NEDD4 like E3 ubiquitin protein ligase; plus strand). Cytogenetic location: 18q21.31.
Variant type: single nucleotide variant.
Coding change: c.535T>G on transcript NM_001144967.3 (MANE Select); coding-DNA position 535, T replaced by G.
Protein change: p.Ser179Ala; replaces serine 179 with alanine.
Molecular consequence: missense variant.
Genome position (GRCh38, 1-based): chr18:58,325,017, T>G. VCF-style: chr18-58325017-T-G. GRCh37 (hg19) VCF-style: chr18-55992249-T-G.
Other names: c.172T>G, p.Ser58Ala (NM_001144964.1, NM_001144965.2, NM_001144966.3 and 2 more transcripts); c.511T>G, p.Ser171Ala (NM_001144968.2, NM_001144969.2); c.535T>G, p.Ser179Ala (NM_001243960.2, NM_015277.6); c.1372T>G, p.Ser458Ala (NM_001437337.1); short protein forms S179A, S458A, S171A, S58A.
Identifiers: ClinVar variation 4760874 (VCV004760874.1).